The following is an entry in ClinVar:

NM_000214.3(JAG1):c.43A>C (p.Ser15Arg)

Gene: JAG1 (jagged canonical Notch ligand 1; minus strand). Cytogenetic location: 20p12.2.
Variant type: single nucleotide variant.
Coding change: c.43A>C on transcript NM_000214.3 (MANE Select); coding-DNA position 43, A replaced by C.
Protein change: p.Ser15Arg; replaces serine 15 with arginine.
Molecular consequence: missense variant.
Genome position (GRCh38, 1-based): chr20:10,673,488, T>G on the plus strand (A>C on the coding strand, the complement: JAG1 is on the minus strand). VCF-style: chr20-10673488-T-G. GRCh37 (hg19) VCF-style: chr20-10654136-T-G.
Other names: short protein forms S15R.
Identifiers: ClinVar variation 3573210 (VCV003573210.2).

Conditions:
Arteriohepatic dysplasia. Also called: Alagille Syndrome. Identifiers: Orphanet 52, MedGen C0085280, MeSH D016738, MONDO:0007318.

Submission:

Gilbert/Spinner Lab, Children's Hospital of Philadelphia
No classification provided (evidence only). Condition: Alagille syndrome. Review status: no classification provided. Collection method: research. Allele origin: not applicable. Functional consequence: functionally_abnormal.
ClinVar note: "not provided" was previously submitted as the classification for the variant. However, the classification appeared to be based only on an observation of functional data so it was converted to no classification on 2025-07-30.